The following is an entry in ClinVar:

NM_005245.4(FAT1):c.10632G>A (p.Ala3544=)

Genes: FAT1 (FAT atypical cadherin 1; minus strand), LOC126807254 (BRD4-independent group 4 enhancer GRCh37_chr4:187524269-187525468; plus strand). Cytogenetic location: 4q35.2.
Variant type: single nucleotide variant.
Coding change: c.10632G>A on transcript NM_005245.4 (MANE Select); coding-DNA position 10632, G replaced by A.
Protein change: p.Ala3544=; no amino-acid change (alanine 3544 retained).
Molecular consequence: synonymous variant.
Genome position (GRCh38, 1-based): chr4:186,603,894, C>T on the plus strand (G>A on the coding strand, the complement: FAT1 is on the minus strand). VCF-style: chr4-186603894-C-T. GRCh37 (hg19) VCF-style: chr4-187525048-C-T.
Identifiers: ClinVar variation 779238 (VCV000779238.37), dbSNP rs112325579, ClinGen allele CA3165302.

ClinVar aggregate classification (germline): Benign/Likely benign. Review status: criteria provided, multiple submitters, no conflicts (2 of 4 stars). 4 submissions from 4 submitters: Benign (1); Likely benign (3). Last evaluated 2026-03-01.

Allele frequency attached by ClinVar (database versions not stated): 1000 Genomes Project 0.00379; 1000 Genomes Project 30x 0.00422; TOPMed 0.00423; gnomAD 0.00453; gnomAD exomes 0.00542 and 0.00702; ExAC 0.00546; ESP Exome Variant Server 0.00606.
gnomAD v4.1: 10,981 of 1,613,862 alleles (0.68%); highest among the groups gnomAD compares: South Asian, 0.83%; 49 homozygotes.

Submissions (4):

CeGaT Center for Human Genetics Tuebingen
Classification: Likely benign. Last evaluated: 2026-03-01. Review status: criteria provided, single submitter. Criteria: CeGaT Center For Human Genetics Tuebingen Variant Classification Criteria Version 2. Collection method: clinical testing. Allele origin: germline. Affected: yes. Observed: 10 variant alleles.
Comment: FAT1: BP4, BP7, BS2

Labcorp Genetics (formerly Invitae), Labcorp
Classification: Benign. Last evaluated: 2026-01-08. Review status: criteria provided, single submitter. Criteria: Invitae Variant Classification Sherloc (09022015). Collection method: clinical testing. Allele origin: germline.

GeneDx
Classification: Likely benign. Last evaluated: 2020-02-26. Review status: criteria provided, single submitter. Criteria: GeneDx Variant Classification Process June 2021. Collection method: clinical testing. Allele origin: germline. Affected: yes.

Breakthrough Genomics
Classification: Likely benign. Review status: criteria provided, single submitter. Criteria: ACMG Guidelines, 2015. Collection method: not provided. Allele origin: germline. Inheritance: Unknown mechanism. Affected: yes.